The following is an entry in ClinVar:

ClinVar aggregate classification (germline): Benign. Review status: criteria provided, multiple submitters, no conflicts (2 of 4 stars). 2 submissions from 2 submitters: Benign (2). Last evaluated 2018-06-14.

Allele frequency attached by ClinVar (database versions not stated): 1000 Genomes Project 0.11841; 1000 Genomes Project 30x 0.12180; gnomAD 0.12436 and 0.12836; TOPMed 0.13178.
gnomAD v4.1: 109,198 of 1,249,416 alleles (8.7%); highest among the groups gnomAD compares: African/African-American, 26%; 6,214 homozygotes.

Submissions (2):

GeneDx
Classification: Benign. Last evaluated: 2018-06-14. Review status: criteria provided, single submitter. Criteria: GeneDx Variant Classification (06012015). Collection method: clinical testing. Allele origin: germline. Affected: yes.
Comment: This variant is considered likely benign or benign based on one or more of the following criteria: it is a conservative change, it occurs at a poorly conserved position in the protein, it is predicted to be benign by multiple in silico algorithms, and/or has population frequency not consistent with disease.

Breakthrough Genomics
Classification: Benign. Review status: criteria provided, single submitter. Criteria: ACMG Guidelines, 2015. Collection method: not provided. Allele origin: germline. Inheritance: Autosomal recessive inheritance. Affected: yes.

NM_001136193.2(FASTKD2):c.1255-55A>C

Gene: FASTKD2 (FAST kinase domains 2; plus strand). Cytogenetic location: 2q33.3.
Variant type: single nucleotide variant.
Coding change: c.1255-55A>C on transcript NM_001136193.2 (MANE Select); 55 bases into the intron before coding-DNA position 1255, A replaced by C.
Molecular consequence: intron variant.
Genome position (GRCh38, 1-based): chr2:206,774,170, A>C. VCF-style: chr2-206774170-A-C. GRCh37 (hg19) VCF-style: chr2-207638894-A-C.
Other names: c.1255-55A>C (NM_001136194.2, NM_014929.4).
Identifiers: ClinVar variation 671651 (VCV000671651.2), dbSNP rs73985719, ClinGen allele CA63717065.